The following is an entry in ClinVar:

NM_183235.3(RAB27A):c.*14C>T

Gene: RAB27A (RAB27A, member RAS oncogene family; minus strand). Cytogenetic location: 15q21.3.
Variant type: single nucleotide variant.
Coding change: c.*14C>T on transcript NM_183235.3 (MANE Select); 14 bases downstream of the stop codon, C replaced by T.
Molecular consequence: 3 prime UTR variant.
Genome position (GRCh38, 1-based): chr15:55,205,493, G>A on the plus strand (C>T on the coding strand, the complement: RAB27A is on the minus strand). VCF-style: chr15-55205493-G-A. GRCh37 (hg19) VCF-style: chr15-55497691-G-A.
Other names: c.*14C>T (NM_004580.5, NM_183234.3, NM_183236.3).
Identifiers: ClinVar variation 259442 (VCV000259442.13), dbSNP rs1050931, ClinGen allele CA7573507.
Genomic context (GRCh38, chr15:55,205,493, plus strand): 5'-CTGTGCCATGTATCAATCATAGAGAAGATCCCAGGCATGGGCCACCTGAACTACTATGTC[G>A]CTTACTTGACTTCTCAACAGCCACATGCCCCTTTCTCCTTTTCTTCACTTAACTGATCCG-3'

ClinVar aggregate classification (germline): Benign/Likely benign. Review status: criteria provided, multiple submitters, no conflicts (2 of 4 stars). 7 submissions from 7 submitters: Benign (6); Likely benign (1). Last evaluated 2024-11-27.

Conditions:
Griscelli syndrome type 2 (GS2). Also called: GRISCELLI SYNDROME WITH HEMOPHAGOCYTIC SYNDROME; PAID SYNDROME; PARTIAL ALBINISM AND IMMUNODEFICIENCY SYNDROME. Identifiers: Orphanet 381, Orphanet 79477, MedGen C1868679, MONDO:0011872, OMIM 607624.

Allele frequency attached by ClinVar (database versions not stated): gnomAD exomes 0.19287 and 0.19832; ExAC 0.20073; 1000 Genomes Project 0.26478; gnomAD 0.26716 and 0.27464; 1000 Genomes Project 30x 0.27077; TOPMed 0.27680; ESP Exome Variant Server 0.28473.
gnomAD v4.1: 330,854 of 1,611,066 alleles (21%); highest among the groups gnomAD compares: African/African-American, 50%; 38,214 homozygotes.

Submissions (7):

Blueprint Genetics
Classification: Likely benign. Last evaluated: 2024-11-27. Review status: criteria provided, single submitter. Criteria: ACMG Guidelines, 2015. Collection method: clinical testing. Allele origin: germline.

Unidad de Genómica Garrahan, Hospital de Pediatría Garrahan
Classification: Benign. Last evaluated: 2023-11-12. Review status: criteria provided, single submitter. Criteria: ACMG Guidelines, 2015. Collection method: clinical testing. Allele origin: germline. Affected: no. Observed: 21 variant alleles.
Comment: This variant is classified as Benign based on local population frequency. This variant was detected in 22% of patients studied by a panel of primary immunodeficiencies. Number of patients: 21. Only high quality variants are reported.

Genome-Nilou Lab
Classification: Benign for Griscelli syndrome type 2. Last evaluated: 2021-11-07. Review status: criteria provided, single submitter. Criteria: ACMG Guidelines, 2015. Collection method: clinical testing. Allele origin: germline. Affected: no.

GeneDx
Classification: Benign. Last evaluated: 2021-06-19. Review status: criteria provided, single submitter. Criteria: GeneDx Variant Classification Process June 2021. Collection method: clinical testing. Allele origin: germline. Affected: yes.

Illumina Laboratory Services, Illumina
Classification: Benign for Griscelli syndrome type 2. Last evaluated: 2018-01-12. Review status: criteria provided, single submitter. Criteria: ICSL Variant Classification Criteria 13 December 2019. Collection method: clinical testing. Allele origin: germline.
Comment: This variant was observed in the ICSL laboratory as part of a predisposition screen in an ostensibly healthy population. It had not been previously curated by ICSL or reported in the Human Gene Mutation Database (HGMD: prior to June 1st, 2018), and was therefore a candidate for classification through an automated scoring system. Utilizing variant allele frequency, disease prevalence and penetrance estimates, and inheritance mode, an automated score was calculated to assess if this variant is too frequent to cause the disease. Based on the score and internal cut-off values, a variant classified as benign is not then subjected to further curation. The score for this variant resulted in a classification of benign for this disease.

Breakthrough Genomics
Classification: Benign. Review status: criteria provided, single submitter. Criteria: ACMG Guidelines, 2015. Collection method: not provided. Allele origin: germline. Inheritance: Autosomal recessive inheritance. Affected: yes.

PreventionGenetics, part of Exact Sciences
Classification: Benign. Review status: criteria provided, single submitter. Criteria: ACMG Guidelines, 2015. Collection method: clinical testing. Allele origin: germline.